The following is an entry in ClinVar:

ClinVar aggregate classification (germline): Uncertain significance (1 of 4 stars; one submission).

Conditions:
ANKRD11-related disorder. Also called: ANKRD11-related condition.

gnomAD v4.1: 8 of 1,613,910 alleles (0.0005%); highest among the groups gnomAD compares: Non-Finnish European, 0.00059%; no homozygotes.

Submission:

PreventionGenetics, part of Exact Sciences
Classification: Uncertain significance for ANKRD11-related condition. Last evaluated: 2025-10-23. Review status: criteria provided, single submitter. Criteria: ACMG Guidelines, 2015. Collection method: clinical testing. Allele origin: germline.
Comment: The ANKRD11 c.2165A>G variant is predicted to result in the amino acid substitution p.Lys722Arg. To our knowledge, this variant has not been reported in the literature or in a large population database (gnomAD), indicating this variant is rare. At this time, the clinical significance of this variant is uncertain due to the absence of conclusive functional and genetic evidence.

NM_013275.6(ANKRD11):c.2165A>G (p.Lys722Arg)

Gene: ANKRD11 (ankyrin repeat domain 11; minus strand). Cytogenetic location: 16q24.3.
Variant type: single nucleotide variant.
Coding change: c.2165A>G on transcript NM_013275.6 (MANE Select); coding-DNA position 2165, A replaced by G.
Protein change: p.Lys722Arg; replaces lysine 722 with arginine.
Molecular consequence: missense variant.
Genome position (GRCh38, 1-based): chr16:89,284,377, T>C on the plus strand (A>G on the coding strand, the complement: ANKRD11 is on the minus strand). VCF-style: chr16-89284377-T-C. GRCh37 (hg19) VCF-style: chr16-89350785-T-C.
Other names: c.2165A>G, p.Lys722Arg (NM_001256182.2, NM_001256183.2); short protein forms K722R.
Identifiers: ClinVar variation 3356348 (VCV003356348.2).